The following is an entry in ClinVar:

ClinVar aggregate classification (germline): Uncertain significance (1 of 4 stars; one submission).

Conditions:
Bardet-Biedl syndrome (BBS). Identifiers: Orphanet 110, MedGen C0752166, MONDO:0015229.

Submission:

Labcorp Genetics (formerly Invitae), Labcorp
Classification: Uncertain significance for Bardet-Biedl syndrome. Last evaluated: 2023-08-27. Review status: criteria provided, single submitter. Criteria: Invitae Variant Classification Sherloc (09022015). Collection method: clinical testing. Allele origin: germline.
Comment: Advanced modeling of protein sequence and biophysical properties (such as structural, functional, and spatial information, amino acid conservation, physicochemical variation, residue mobility, and thermodynamic stability) performed at Invitae indicates that this missense variant is expected to disrupt BBS1 protein function. In summary, the available evidence is currently insufficient to determine the role of this variant in disease. Therefore, it has been classified as a Variant of Uncertain Significance. This sequence change replaces tyrosine, which is neutral and polar, with histidine, which is basic and polar, at codon 381 of the BBS1 protein (p.Tyr381His). This variant is not present in population databases (gnomAD no frequency). This variant has not been reported in the literature in individuals affected with BBS1-related conditions.

NM_024649.5(BBS1):c.1141T>C (p.Tyr381His)

Genes: BBS1 (Bardet-Biedl syndrome 1; plus strand), ZDHHC24 (zDHHC palmitoyltransferase 24; minus strand). Cytogenetic location: 11q13.2.
Variant type: single nucleotide variant.
Coding change: c.1141T>C on transcript NM_024649.5 (MANE Select); coding-DNA position 1141, T replaced by C.
Protein change: p.Tyr381His; replaces tyrosine 381 with histidine.
Molecular consequence: missense variant. On other transcripts: intron variant (1).
Genome position (GRCh38, 1-based): chr11:66,526,153, T>C. VCF-style: chr11-66526153-T-C. GRCh37 (hg19) VCF-style: chr11-66293624-T-C.
Other names: c.*21+783A>G (NM_001348571.2); short protein forms Y381H.
Identifiers: ClinVar variation 2753159 (VCV002753159.3), dbSNP rs2495796093, ClinGen allele CA381422203.